The following is an entry in ClinVar:

ClinVar aggregate classification (germline): Uncertain significance (1 of 4 stars; one submission).

Conditions:
SRPRA-related disorder. Also called: SRPRA-related condition.

Submission:

PreventionGenetics, part of Exact Sciences
Classification: Uncertain significance for SRPRA-related condition. Last evaluated: 2025-04-20. Review status: criteria provided, single submitter. Criteria: ACMG Guidelines, 2015. Collection method: clinical testing. Allele origin: germline.
Comment: The SRPRA c.806C>A variant is predicted to result in the amino acid substitution p.Thr269Asn. To our knowledge, this variant has not been reported in the literature or in a large population database (gnomAD), indicating this variant is rare. At this time, the clinical significance of this variant is uncertain due to the absence of conclusive functional and genetic evidence.

NM_003139.4(SRPRA):c.806C>A (p.Thr269Asn)

Gene: SRPRA (SRP receptor subunit alpha; minus strand). Cytogenetic location: 11q24.2.
Variant type: single nucleotide variant.
Coding change: c.806C>A on transcript NM_003139.4 (MANE Select); coding-DNA position 806, C replaced by A.
Protein change: p.Thr269Asn; replaces threonine 269 with asparagine.
Molecular consequence: missense variant.
Genome position (GRCh38, 1-based): chr11:126,266,510, G>T on the plus strand (C>A on the coding strand, the complement: SRPRA is on the minus strand). VCF-style: chr11-126266510-G-T. GRCh37 (hg19) VCF-style: chr11-126136405-G-T.
Other names: c.722C>A, p.Thr241Asn (NM_001177842.2); short protein forms T241N, T269N.
Identifiers: ClinVar variation 4998651 (VCV004998651.1).
Genomic context (GRCh38, chr11:126,266,510, plus strand): 5'-TCACTTTGACCCCTGTTACCTCTTACCAGGTTGATGTCCTCAGACAAGGCAGCCTCAGGG[G>T]TTCCATTGGTGGTGGGAGTACTGTAATCCAACACTTCTTTGTTAGCACAGCCACCCAGTT-3'
Protein context (NP_003130.2, residues 259-279): LDYSTPTTNG[Thr269Asn]PEAALSEDIN